The following is an entry in ClinVar:

ClinVar aggregate classification (germline): Pathogenic (1 of 4 stars; one submission).

Submission:

Labcorp Genetics (formerly Invitae), Labcorp
Classification: Pathogenic. Last evaluated: 2023-10-04. Review status: criteria provided, single submitter. Criteria: Invitae Variant Classification Sherloc (09022015). Collection method: clinical testing. Allele origin: germline.
Comment: This sequence change replaces glycine, which is neutral and non-polar, with arginine, which is basic and polar, at codon 515 of the COL4A5 protein (p.Gly515Arg). This variant is not present in population databases (gnomAD no frequency). This missense change has been observed in individuals with clinical features of Alport syndrome (Invitae). ClinVar contains an entry for this variant (Variation ID: 1442092). Advanced modeling of protein sequence and biophysical properties (such as structural, functional, and spatial information, amino acid conservation, physicochemical variation, residue mobility, and thermodynamic stability) performed at Invitae indicates that this missense variant is expected to disrupt COL4A5 protein function. This variant disrupts the triple helix domain of COL4A5. Glycine residues within the Gly-Xaa-Yaa repeats of the triple helix domain are required for the structure and stability of fibrillar collagens (PMID: 7695699, 8218237, 19344236). In COL4A5, missense variants at these glycine residues are significantly enriched in individuals with disease (PMID: 23720012, 27627812) compared to the general population (ExAC). This variant disrupts the p.Gly515 amino acid residue in COL4A5. Other variant(s) that disrupt this residue have been observed in individuals with COL4A5-related conditions (PMID: 25876686), which suggests that this may be a clinically significant amino acid residue. For these reasons, this variant has been classified as Pathogenic.

Literature cited by the submitters: PubMed 7695699; PubMed 8218237; PubMed 19344236; PubMed 23720012; PubMed 27627812; PubMed 25876686.

NM_033380.3(COL4A5):c.1543G>C (p.Gly515Arg)

Gene: COL4A5 (collagen type IV alpha 5 chain; plus strand). Cytogenetic location: Xq22.3.
Variant type: single nucleotide variant.
Coding change: c.1543G>C on transcript NM_033380.3 (MANE Select); coding-DNA position 1543, G replaced by C.
Protein change: p.Gly515Arg; replaces glycine 515 with arginine.
Molecular consequence: missense variant.
Genome position (GRCh38, 1-based): chrX:108,597,024, G>C. VCF-style: chrX-108597024-G-C. GRCh37 (hg19) VCF-style: chrX-107840254-G-C.
Other names: c.1543G>C, p.Gly515Arg (NM_000495.5); short protein forms G515R.
Identifiers: ClinVar variation 1442092 (VCV001442092.6), dbSNP rs2147809070, ClinGen allele CA413845096.